The following is an entry in ClinVar:

NM_003738.5(PTCH2):c.2458G>A (p.Ala820Thr)

Gene: PTCH2 (patched 2; minus strand). Cytogenetic location: 1p34.1.
Variant type: single nucleotide variant.
Coding change: c.2458G>A on transcript NM_003738.5 (MANE Select); coding-DNA position 2458, G replaced by A.
Protein change: p.Ala820Thr; replaces alanine 820 with threonine.
Molecular consequence: missense variant.
Genome position (GRCh38, 1-based): chr1:44,827,223, C>T on the plus strand (G>A on the coding strand, the complement: PTCH2 is on the minus strand). VCF-style: chr1-44827223-C-T. GRCh37 (hg19) VCF-style: chr1-45292895-C-T.
Other names: c.2458G>A, p.Ala820Thr (NM_001166292.2); short protein forms A820T.
Identifiers: ClinVar variation 3700667 (VCV003700667.2).

ClinVar aggregate classification (germline): Uncertain significance (1 of 4 stars; one submission).

Conditions:
Gorlin syndrome. Also called: Nevoid Basal Cell Carcinoma Syndrome; Basal cell nevus syndrome. Identifiers: Orphanet 377, MedGen C0004779, MONDO:0007187.

Submission:

Labcorp Genetics (formerly Invitae), Labcorp
Classification: Uncertain significance for Gorlin syndrome. Last evaluated: 2024-06-03. Review status: criteria provided, single submitter. Criteria: Invitae Variant Classification Sherloc (09022015). Collection method: clinical testing. Allele origin: germline.
Comment: This sequence change replaces alanine, which is neutral and non-polar, with threonine, which is neutral and polar, at codon 820 of the PTCH2 protein (p.Ala820Thr). This variant is not present in population databases (gnomAD no frequency). This variant has not been reported in the literature in individuals affected with PTCH2-related conditions. Advanced modeling of protein sequence and biophysical properties (such as structural, functional, and spatial information, amino acid conservation, physicochemical variation, residue mobility, and thermodynamic stability) has been performed at Invitae for this missense variant, however the output from this modeling did not meet the statistical confidence thresholds required to predict the impact of this variant on PTCH2 protein function. In summary, the available evidence is currently insufficient to determine the role of this variant in disease. Therefore, it has been classified as a Variant of Uncertain Significance.